The following is an entry in ClinVar:

ClinVar aggregate classification (germline): Pathogenic/Likely pathogenic. Review status: criteria provided, multiple submitters, no conflicts (2 of 4 stars). 4 submissions from 4 submitters: Pathogenic (3); Likely pathogenic (1). Last evaluated 2025-06-25.

Conditions:
Pyknodysostosis. Also called: Pycnodysostosis. Identifiers: Orphanet 763, MedGen C0238402, MONDO:0009940, OMIM 265800.

Allele frequency attached by ClinVar (database versions not stated): ExAC 0.00001; gnomAD 0.00001; gnomAD exomes 0.00001 and 0.00002; 1000 Genomes Project 0.00020; 1000 Genomes Project 30x 0.00031.
gnomAD v4.1: 8 of 1,613,852 alleles (0.0005%); highest among the groups gnomAD compares: Non-Finnish European, 0.00068%; no homozygotes.

Submissions (4):

Natera, Inc.
Classification: Pathogenic for Pyknodysostosis. Last evaluated: 2025-06-25. Review status: criteria provided, single submitter. Criteria: Natera Variant Classification Schema (03/2026). Collection method: clinical testing. Allele origin: germline.
Comment: The c.121-1G>A variant in CTSK is a canonical splice acceptor site variant predicted to affect pre-mRNA splicing, which may result in an abnormal transcript and altered protein product. This variant is expected to result in nonsense mediated decay, truncation, or a dysfunctional protein product. This variant is rare in the general population with a frequency below the threshold expected for the associated phenotype(s). This variant has been observed in one or more individuals affected with the associated recessive disease, as either homozygous or compound heterozygous with a second variant (PMID: 10878663). Additionally, this variant has been observed to segregate in affected family members (PMID: 10878663). Functional studies show that this variant may disrupt protein function (PMID: 10878663). Given the available evidence, this variant is classified as Pathogenic.

Fulgent Genetics
Classification: Likely pathogenic for Pyknodysostosis. Last evaluated: 2024-03-31. Review status: criteria provided, single submitter. Criteria: ACMG Guidelines, 2015. Collection method: clinical testing. Allele origin: germline.

Labcorp Genetics (formerly Invitae), Labcorp
Classification: Pathogenic. Last evaluated: 2024-02-23. Review status: criteria provided, single submitter. Criteria: Invitae Variant Classification Sherloc (09022015). Collection method: clinical testing. Allele origin: germline.
Comment: This sequence change affects an acceptor splice site in intron 2 of the CTSK gene. RNA analysis indicates that disruption of this splice site induces altered splicing and likely results in a shortened protein product. This variant is present in population databases (rs587663163, gnomAD 0.003%). Disruption of this splice site has been observed in individual(s) with pycnodysostosis (PMID: 10878663). In at least one individual the data is consistent with being in trans (on the opposite chromosome) from a pathogenic variant. It has also been observed to segregate with disease in related individuals. ClinVar contains an entry for this variant (Variation ID: 859435). Studies have shown that disruption of this splice site results in skipping of exon 3, but is expected to preserve the integrity of the reading-frame (PMID: 10878663). For these reasons, this variant has been classified as Pathogenic.

Baylor Genetics
Classification: Pathogenic for Pyknodysostosis. Last evaluated: 2023-09-18. Review status: criteria provided, single submitter. Criteria: ACMG Guidelines, 2015. Collection method: clinical testing. Allele origin: unknown.

Literature cited by the submitters: PubMed 10878663 (cited by Natera, Inc. and Labcorp Genetics (formerly Invitae), Labcorp).

NM_000396.4(CTSK):c.121-1G>A

Gene: CTSK (cathepsin K; minus strand). Cytogenetic location: 1q21.3.
Variant type: single nucleotide variant.
Coding change: c.121-1G>A on transcript NM_000396.4 (MANE Select); the canonical splice acceptor site of the intron before coding-DNA position 121, G replaced by A.
Molecular consequence: splice acceptor variant.
Genome position (GRCh38, 1-based): chr1:150,806,225, C>T on the plus strand (G>A on the coding strand, the complement: CTSK is on the minus strand). VCF-style: chr1-150806225-C-T. GRCh37 (hg19) VCF-style: chr1-150778701-C-T.
Identifiers: ClinVar variation 859435 (VCV000859435.13), dbSNP rs587663163, ClinGen allele CA1080571.